The following is an entry in ClinVar:

NM_001351132.2(PEX5):c.148-20T>G

Gene: PEX5 (peroxisomal biogenesis factor 5; plus strand). Cytogenetic location: 12p13.31.
Variant type: single nucleotide variant.
Coding change: c.148-20T>G on transcript NM_001351132.2 (MANE Select); 20 bases into the intron before coding-DNA position 148, T replaced by G.
Molecular consequence: intron variant.
Genome position (GRCh38, 1-based): chr12:7,190,868, T>G. VCF-style: chr12-7190868-T-G. GRCh37 (hg19) VCF-style: chr12-7343464-T-G.
Other names: c.148-20T>G (NM_001351124.3, NM_001131026.2, NM_001351131.2 and 19 more transcripts); c.193-20T>G (NM_001351135.3, NM_001131023.2, NM_001351138.2).
Identifiers: ClinVar variation 2187317 (VCV002187317.4), dbSNP rs2539814605, ClinGen allele CA2580086321.

ClinVar aggregate classification (germline): Uncertain significance (1 of 4 stars; one submission).

Conditions:
Peroxisome biogenesis disorder 2B (PBD2B). Identifiers: Orphanet 44, MedGen C3550234, MONDO:0008736, OMIM 202370.

Submission:

Labcorp Genetics (formerly Invitae), Labcorp
Classification: Uncertain significance for Peroxisome biogenesis disorder 2B. Last evaluated: 2022-02-06. Review status: criteria provided, single submitter. Criteria: Invitae Variant Classification Sherloc (09022015). Collection method: clinical testing. Allele origin: germline.
Comment: This variant is not present in population databases (gnomAD no frequency). This sequence change falls in intron 2 of the PEX5 gene. It does not directly change the encoded amino acid sequence of the PEX5 protein. This variant has not been reported in the literature in individuals affected with PEX5-related conditions. In summary, the available evidence is currently insufficient to determine the role of this variant in disease. Therefore, it has been classified as a Variant of Uncertain Significance. Algorithms developed to predict the effect of sequence changes on RNA splicing suggest that this variant may create or strengthen a splice site.